The following is an entry in ClinVar:

ClinVar aggregate classification (germline): Uncertain significance. Review status: criteria provided, multiple submitters, no conflicts (2 of 4 stars). 2 submissions from 2 submitters: Uncertain significance (2). Last evaluated 2022-06-22.

Allele frequency attached by ClinVar (database versions not stated): gnomAD exomes below 0.00001 and 0.00001; ExAC 0.00001.
gnomAD v4.1: 5 of 1,613,842 alleles (0.00031%); highest among the groups gnomAD compares: Admixed American, 0.0067%; no homozygotes.

Submissions (2):

Labcorp Genetics (formerly Invitae), Labcorp
Classification: Uncertain significance. Last evaluated: 2022-06-22. Review status: criteria provided, single submitter. Criteria: Invitae Variant Classification Sherloc (09022015). Collection method: clinical testing. Allele origin: germline.
Comment: This sequence change replaces threonine, which is neutral and polar, with alanine, which is neutral and non-polar, at codon 2600 of the CPLANE1 protein (p.Thr2600Ala). This variant is present in population databases (rs768154559, gnomAD 0.006%). This variant has not been reported in the literature in individuals affected with CPLANE1-related conditions. ClinVar contains an entry for this variant (Variation ID: 1005331). Advanced modeling of protein sequence and biophysical properties (such as structural, functional, and spatial information, amino acid conservation, physicochemical variation, residue mobility, and thermodynamic stability) performed at Invitae indicates that this missense variant is not expected to disrupt CPLANE1 protein function. In summary, the available evidence is currently insufficient to determine the role of this variant in disease. Therefore, it has been classified as a Variant of Uncertain Significance.

Blueprint Genetics
Classification: Uncertain significance. Last evaluated: 2020-08-17. Review status: criteria provided, single submitter. Criteria: ACMG Guidelines, 2015. Collection method: clinical testing. Allele origin: germline.

NM_001384732.1(CPLANE1):c.7798A>G (p.Thr2600Ala)

Gene: CPLANE1 (ciliogenesis and planar polarity effector complex subunit 1; minus strand). Cytogenetic location: 5p13.2.
Variant type: single nucleotide variant.
Coding change: c.7798A>G on transcript NM_001384732.1 (MANE Select); coding-DNA position 7798, A replaced by G.
Protein change: p.Thr2600Ala; replaces threonine 2600 with alanine.
Molecular consequence: missense variant.
Genome position (GRCh38, 1-based): chr5:37,158,238, T>C on the plus strand (A>G on the coding strand, the complement: CPLANE1 is on the minus strand). VCF-style: chr5-37158238-T-C. GRCh37 (hg19) VCF-style: chr5-37158340-T-C.
Other names: c.7798A>G, p.Thr2600Ala (NM_023073.4); short protein forms T2600A.
Identifiers: ClinVar variation 1005331 (VCV001005331.5), dbSNP rs768154559, ClinGen allele CA3237950.